The following is an entry in ClinVar:

NM_001197104.2(KMT2A):c.8824C>T (p.Pro2942Ser)

Gene: KMT2A (lysine methyltransferase 2A; plus strand). Cytogenetic location: 11q23.3.
Variant type: single nucleotide variant.
Coding change: c.8824C>T on transcript NM_001197104.2 (MANE Select); coding-DNA position 8824, C replaced by T.
Protein change: p.Pro2942Ser; replaces proline 2942 with serine.
Molecular consequence: missense variant.
Genome position (GRCh38, 1-based): chr11:118,504,716, C>T. VCF-style: chr11-118504716-C-T. GRCh37 (hg19) VCF-style: chr11-118375431-C-T.
Other names: c.8914C>T, p.Pro2972Ser (NM_001412597.1); c.8815C>T, p.Pro2939Ser (NM_005933.4); short protein forms P2939S, P2942S, P2972S.
Identifiers: ClinVar variation 2662262 (VCV002662262.4), dbSNP rs2497012770, ClinGen allele CA382816355.
Genomic context (GRCh38, chr11:118,504,716, plus strand): 5'-GAACAGTTTGAGTTGCCTCTAGAGCTACCATCTGATCTGTCTGTCTTGACCACCCGGAGT[C>T]CCACTGTCCCCAGCCAGAATCCCAGTAGACTAGCTGTTATCTCAGACTCAGGGGAGAAGA-3'
Protein context (NP_001184033.1, residues 2932-2952): SDLSVLTTRS[Pro2942Ser]TVPSQNPSRL

ClinVar aggregate classification (germline): Uncertain significance. Review status: criteria provided, multiple submitters, no conflicts (2 of 4 stars). 2 submissions from 2 submitters: Uncertain significance (2). Last evaluated 2023-12-30.

Submissions (2):

Labcorp Genetics (formerly Invitae), Labcorp
Classification: Uncertain significance. Last evaluated: 2023-12-30. Review status: criteria provided, single submitter. Criteria: Invitae Variant Classification Sherloc (09022015). Collection method: clinical testing. Allele origin: germline.
Comment: This sequence change replaces proline, which is neutral and non-polar, with serine, which is neutral and polar, at codon 2942 of the KMT2A protein (p.Pro2942Ser). This variant is not present in population databases (gnomAD no frequency). This variant has not been reported in the literature in individuals affected with KMT2A-related conditions. ClinVar contains an entry for this variant (Variation ID: 2662262). Advanced modeling of protein sequence and biophysical properties (such as structural, functional, and spatial information, amino acid conservation, physicochemical variation, residue mobility, and thermodynamic stability) has been performed at Invitae for this missense variant, however the output from this modeling did not meet the statistical confidence thresholds required to predict the impact of this variant on KMT2A protein function. In summary, the available evidence is currently insufficient to determine the role of this variant in disease. Therefore, it has been classified as a Variant of Uncertain Significance.

GeneDx
Classification: Uncertain significance. Last evaluated: 2023-05-10. Review status: criteria provided, single submitter. Criteria: GeneDx Variant Classification Process June 2021. Collection method: clinical testing. Allele origin: germline. Affected: yes.
Comment: Not observed at significant frequency in large population cohorts (gnomAD); In silico analysis supports that this missense variant has a deleterious effect on protein structure/function; Has not been previously published as pathogenic or benign to our knowledge